The following is an entry in ClinVar:

NM_001376.5(DYNC1H1):c.5307G>C (p.Met1769Ile)

Gene: DYNC1H1 (dynein cytoplasmic 1 heavy chain 1; plus strand). Cytogenetic location: 14q32.31.
Variant type: single nucleotide variant.
Coding change: c.5307G>C on transcript NM_001376.5 (MANE Select); coding-DNA position 5307, G replaced by C.
Protein change: p.Met1769Ile; replaces methionine 1769 with isoleucine.
Molecular consequence: missense variant.
Genome position (GRCh38, 1-based): chr14:102,005,110, G>C. VCF-style: chr14-102005110-G-C. GRCh37 (hg19) VCF-style: chr14-102471447-G-C.
Other names: short protein forms M1769I.
Identifiers: ClinVar variation 1503313 (VCV001503313.8), dbSNP rs2141288959, ClinGen allele CA391046443.

ClinVar aggregate classification (germline): Uncertain significance (1 of 4 stars; one submission).

Conditions:
Charcot-Marie-Tooth disease axonal type 2O. Also called: CHARCOT-MARIE-TOOTH NEUROPATHY, AXONAL, TYPE 2O; CHARCOT-MARIE-TOOTH DISEASE, AXONAL, AUTOSOMAL DOMINANT, TYPE 2O; Charcot-Marie-Tooth Neuropathy Type 2O; Charcot-Marie-Tooth disease, axonal, type 20. Identifiers: Orphanet 284232, MedGen C3280220, MONDO:0013644, OMIM 614228.

Submission:

Labcorp Genetics (formerly Invitae), Labcorp
Classification: Uncertain significance for Charcot-Marie-Tooth disease axonal type 2O. Last evaluated: 2021-03-10. Review status: criteria provided, single submitter. Criteria: Invitae Variant Classification Sherloc (09022015). Collection method: clinical testing. Allele origin: germline.
Comment: This sequence change replaces methionine with isoleucine at codon 1769 of the DYNC1H1 protein (p.Met1769Ile). The methionine residue is weakly conserved and there is a small physicochemical difference between methionine and isoleucine. This variant is not present in population databases (ExAC no frequency). This variant has not been reported in the literature in individuals with DYNC1H1-related conditions. Advanced modeling of protein sequence and biophysical properties (such as structural, functional, and spatial information, amino acid conservation, physicochemical variation, residue mobility, and thermodynamic stability) performed at Invitae indicates that this missense variant is not expected to disrupt DYNC1H1 protein function. In summary, the available evidence is currently insufficient to determine the role of this variant in disease. Therefore, it has been classified as a Variant of Uncertain Significance.